The following is an entry in ClinVar:

ClinVar aggregate classification (germline): Benign. Review status: criteria provided, multiple submitters, no conflicts (2 of 4 stars). 2 submissions from 2 submitters: Benign (2). Last evaluated 2018-01-13.

Conditions:
Stargardt disease 3. Also called: MACULAR DYSTROPHY WITH FLECKS, TYPE 3; STARGARDT-LIKE MACULAR DYSTROPHY, AUTOSOMAL DOMINANT. Identifiers: Orphanet 827, MedGen C1838644, MONDO:0010819, OMIM 600110.

Allele frequency attached by ClinVar (database versions not stated): 1000 Genomes Project 0.08726; 1000 Genomes Project 30x 0.08776; TOPMed 0.12511.
gnomAD v4.1: 172,166 of 1,023,640 alleles (17%); highest among the groups gnomAD compares: Middle Eastern, 21%; 16,585 homozygotes.

Submissions (2):

Illumina Laboratory Services, Illumina
Classification: Benign for Stargardt disease 3. Last evaluated: 2018-01-13. Review status: criteria provided, single submitter. Criteria: ICSL Variant Classification Criteria 13 December 2019. Collection method: clinical testing. Allele origin: germline.
Comment: This variant was observed in the ICSL laboratory as part of a predisposition screen in an ostensibly healthy population. It had not been previously curated by ICSL or reported in the Human Gene Mutation Database (HGMD: prior to June 1st, 2018), and was therefore a candidate for classification through an automated scoring system. Utilizing variant allele frequency, disease prevalence and penetrance estimates, and inheritance mode, an automated score was calculated to assess if this variant is too frequent to cause the disease. Based on the score and internal cut-off values, a variant classified as benign is not then subjected to further curation. The score for this variant resulted in a classification of benign for this disease.

GeneDx
Classification: Benign. Last evaluated: 2015-03-03. Review status: criteria provided, single submitter. Criteria: GeneDx Variant Classification Process June 2021. Collection method: clinical testing. Allele origin: germline. Affected: yes.
Comment: This variant is associated with the following publications: (PMID: 29417145)

NM_022726.4(ELOVL4):c.-90G>C

Gene: ELOVL4 (ELOVL fatty acid elongase 4; minus strand). Cytogenetic location: 6q14.1.
Variant type: single nucleotide variant.
Coding change: c.-90G>C on transcript NM_022726.4 (MANE Select); 90 bases upstream of the start codon, G replaced by C.
Molecular consequence: 5 prime UTR variant.
Genome position (GRCh38, 1-based): chr6:79,947,369, C>G on the plus strand (G>C on the coding strand, the complement: ELOVL4 is on the minus strand). VCF-style: chr6-79947369-C-G. GRCh37 (hg19) VCF-style: chr6-80657086-C-G.
Identifiers: ClinVar variation 358150 (VCV000358150.6), dbSNP rs62407622, ClinGen allele CA10622776.
Genomic context (GRCh38, chr6:79,947,369, plus strand): 5'-AGAAAGCGGAGACCCAGAGAGAGGGCTGACCCCGGAGGCGGTGGCGGCCGACGGGGCGAG[C>G]GGCGGCCGGGAACCCCTCTAACGGCGGCGGCCCGGCTGCGTCTTCTCCTGCTCCTCAAGG-3'